The following is an entry in ClinVar:

ClinVar aggregate classification (germline): Pathogenic (1 of 4 stars; one submission).

Submission:

Labcorp Genetics (formerly Invitae), Labcorp
Classification: Pathogenic. Last evaluated: 2025-04-12. Review status: criteria provided, single submitter. Criteria: Invitae Variant Classification Sherloc (09022015). Collection method: clinical testing. Allele origin: germline.
Comment: This sequence change creates a premature translational stop signal (p.Asn233Thrfs*6) in the C1S gene. It is expected to result in an absent or disrupted protein product. Loss-of-function variants in C1S are known to be pathogenic (PMID: 18062908). This variant is not present in population databases (gnomAD no frequency). This variant has not been reported in the literature in individuals affected with C1S-related conditions. For these reasons, this variant has been classified as Pathogenic.

Literature cited by the submitters: PubMed 18062908.

NM_001734.5(C1S):c.698del (p.Asn233fs)

Gene: C1S (complement C1s; plus strand). Cytogenetic location: 12p13.31.
Variant type: Deletion.
Coding change: c.698del on transcript NM_001734.5 (MANE Select); coding-DNA position 698, one base deleted (A; older notation c.698delA).
Protein change: p.Asn233fs; shifts the reading frame from asparagine 233.
Molecular consequence: frameshift variant.
Genome position (GRCh38, 1-based): chr12:7,065,280, A deleted; the last of 3 consecutive A bases (chr12:7,065,278-7,065,280); deleting any one gives the same sequence. VCF-style (leftmost placement, unchanged base first): chr12-7065277-GA-G. GRCh37 (hg19) VCF-style: chr12-7172581-GA-G.
Other names: c.197del, p.Asn66fs (NM_001346850.2); c.698del, p.Asn233fs (NM_201442.4); short protein forms N233fs, N66fs.
Identifiers: ClinVar variation 4716786 (VCV004716786.1).
Genomic context (GRCh38, chr12:7,065,277, plus strand): 5'-TCCAAGTGGTGGTGACCTTGCGGAGAGAAGATTTTGATGTGGAAGCAGCTGACTCAGCGG[GA>G]AACTGCCTTGACAGTTTAGTTGTGCGTGATGGTTGATTAATACCCCACCCTTAACTTACA-3'